The following is an entry in ClinVar:

NM_000038.6(APC):c.2453A>G (p.Asn818Ser)

Gene: APC (APC regulator of Wnt signaling pathway; plus strand). Cytogenetic location: 5q22.2.
Variant type: single nucleotide variant.
Coding change: c.2453A>G on transcript NM_000038.6 (MANE Select); coding-DNA position 2453, A replaced by G.
Protein change: p.Asn818Ser; replaces asparagine 818 with serine.
Molecular consequence: missense variant.
Genome position (GRCh38, 1-based): chr5:112,838,047, A>G. VCF-style: chr5-112838047-A-G. GRCh37 (hg19) VCF-style: chr5-112173744-A-G.
Other names: c.2453A>G, p.Asn818Ser (NM_001127510.3, NM_001354895.2); c.2399A>G, p.Asn800Ser (NM_001127511.3); c.2507A>G, p.Asn836Ser (NM_001354896.2); c.2483A>G, p.Asn828Ser (NM_001354897.2); c.2378A>G, p.Asn793Ser (NM_001354898.2); c.2369A>G, p.Asn790Ser (NM_001354899.2); c.2330A>G, p.Asn777Ser (NM_001354900.2); c.2276A>G, p.Asn759Ser (NM_001354901.2); and 5 more; short protein forms N535S, N692S, N727S, N759S, N828S, N836S, N790S, N818S.
Identifiers: ClinVar variation 643175 (VCV000643175.14), dbSNP rs1554084177, ClinGen allele CA16026720.

ClinVar aggregate classification (germline): Uncertain significance. Review status: criteria provided, multiple submitters, no conflicts (2 of 4 stars). 4 submissions from 4 submitters: Uncertain significance (4). Last evaluated 2025-06-08.

Conditions:
Hereditary cancer-predisposing syndrome. Also called: Neoplastic Syndromes, Hereditary; Tumor predisposition; Hereditary neoplastic syndrome; Hereditary Cancer Syndrome. Identifiers: Orphanet 140162, MedGen C0027672, MeSH D009386, MONDO:0015356.
Classic or attenuated familial adenomatous polyposis. Identifiers: MedGen CN372698, MONDO:0021057.
Familial adenomatous polyposis 1 (FAP1). Also called: FAMILIAL ADENOMATOUS POLYPOSIS 1, ATTENUATED; POLYPOSIS, ADENOMATOUS INTESTINAL. Identifiers: MedGen C2713442, MONDO:0021056, OMIM 175100. Disease mechanism: loss of function.

Submissions (4):

Labcorp Genetics (formerly Invitae), Labcorp
Classification: Uncertain significance for Familial adenomatous polyposis 1. Last evaluated: 2025-06-08. Review status: criteria provided, single submitter. Criteria: Invitae Variant Classification Sherloc (09022015). Collection method: clinical testing. Allele origin: germline.
Comment: This sequence change replaces asparagine, which is neutral and polar, with serine, which is neutral and polar, at codon 818 of the APC protein (p.Asn818Ser). This variant is not present in population databases (gnomAD no frequency). This variant has not been reported in the literature in individuals affected with APC-related conditions. ClinVar contains an entry for this variant (Variation ID: 643175). Invitae Evidence Modeling of protein sequence and biophysical properties (such as structural, functional, and spatial information, amino acid conservation, physicochemical variation, residue mobility, and thermodynamic stability) indicates that this missense variant is not expected to disrupt APC protein function with a negative predictive value of 95%. In summary, the available evidence is currently insufficient to determine the role of this variant in disease. Therefore, it has been classified as a Variant of Uncertain Significance.

Baylor Genetics
Classification: Uncertain significance for Familial adenomatous polyposis 1. Last evaluated: 2023-10-04. Review status: criteria provided, single submitter. Criteria: ACMG Guidelines, 2015. Collection method: clinical testing. Allele origin: unknown.

Ambry Genetics
Classification: Uncertain significance for Hereditary cancer-predisposing syndrome. Last evaluated: 2023-08-10. Review status: criteria provided, single submitter. Criteria: Ambry Variant Classification Scheme 2023. Collection method: clinical testing. Allele origin: germline.
Comment: The p.N818S variant (also known as c.2453A>G), located in coding exon 15 of the APC gene, results from an A to G substitution at nucleotide position 2453. The asparagine at codon 818 is replaced by serine, an amino acid with highly similar properties. This amino acid position is well conserved in available vertebrate species. In addition, in silico predictors for this gene do not accurately predict pathogenicity. Since supporting evidence is limited at this time, the clinical significance of this alteration remains unclear.

All of Us Research Program, National Institutes of Health
Classification: Uncertain significance for Classic or attenuated familial adenomatous polyposis. Last evaluated: 2023-06-26. Review status: criteria provided, single submitter. Criteria: ACMG Guidelines, 2015. Collection method: clinical testing. Allele origin: germline. Inheritance: Autosomal dominant inheritance. Observed: 1 variant allele, 1 heterozygote.
Comment: This missense variant replaces asparagine with serine at codon 818 of the APC protein. Computational prediction suggests that this variant may not impact protein structure and function (internally defined REVEL score threshold <= 0.5, PMID: 27666373). To our knowledge, functional studies have not been reported for this variant. This variant has not been reported in individuals affected with APC-related disorders in the literature. This variant has not been identified in the general population by the Genome Aggregation Database (gnomAD). The available evidence is insufficient to determine the role of this variant in disease conclusively. Therefore, this variant is classified as a Variant of Uncertain Significance.

This study involves interpretation of variants in research participants for the purpose of population health screening. Participant phenotype was not available at the time of variant classification. Additional details can be found in publication PMID: 35346344, PMCID: PMC8962531